The following is an entry in ClinVar:

NM_020347.4(LZTFL1):c.646G>A (p.Ala216Thr)

Gene: LZTFL1 (leucine zipper transcription factor like 1; minus strand). Cytogenetic location: 3p21.31.
Variant type: single nucleotide variant.
Coding change: c.646G>A on transcript NM_020347.4 (MANE Select); coding-DNA position 646, G replaced by A.
Protein change: p.Ala216Thr; replaces alanine 216 with threonine.
Molecular consequence: missense variant. On other transcripts: non-coding transcript variant (1).
Genome position (GRCh38, 1-based): chr3:45,828,570, C>T on the plus strand (G>A on the coding strand, the complement: LZTFL1 is on the minus strand). VCF-style: chr3-45828570-C-T. GRCh37 (hg19) VCF-style: chr3-45870062-C-T.
Other names: c.595G>A, p.Ala199Thr (NM_001276378.2, NM_001386451.1); c.634G>A, p.Ala212Thr (NM_001276379.2); c.646G>A, p.Ala216Thr (NM_001386452.1); c.646G>A (NM_020347.3); short protein forms A199T, A212T, A216T.
Identifiers: ClinVar variation 1169361 (VCV001169361.11), dbSNP rs146191659, ClinGen allele CA2351882.

ClinVar aggregate classification (germline): Benign/Likely benign. Review status: criteria provided, multiple submitters, no conflicts (2 of 4 stars). 4 submissions from 4 submitters: Benign (1); Likely benign (2). 1 of the submissions does not count toward it. Last evaluated 2026-01-18.

Conditions:
LZTFL1-related disorder. Also called: LZTFL1-related condition.
Bardet-Biedl syndrome 17 (BBS17). Identifiers: Orphanet 110, MedGen C3714980, MONDO:0014445, OMIM 615994.

Allele frequency attached by ClinVar (database versions not stated): gnomAD 0.00006 and 0.00024; TOPMed 0.00006; ESP Exome Variant Server 0.00015; gnomAD exomes 0.00062; ExAC 0.00071; 1000 Genomes Project 30x 0.00109; 1000 Genomes Project 0.00140.
gnomAD v4.1: 530 of 1,614,056 alleles (0.033%); highest among the groups gnomAD compares: South Asian, 0.51%; 6 homozygotes.

Submissions (4):

Labcorp Genetics (formerly Invitae), Labcorp
Classification: Benign. Last evaluated: 2026-01-18. Review status: criteria provided, single submitter. Criteria: Invitae Variant Classification Sherloc (09022015). Collection method: clinical testing. Allele origin: germline.

Blueprint Genetics
Classification: Likely benign. Last evaluated: 2024-10-25. Review status: criteria provided, single submitter. Criteria: ACMG Guidelines, 2015. Collection method: clinical testing. Allele origin: germline.

Fulgent Genetics
Classification: Likely benign for Bardet-Biedl syndrome 17. Last evaluated: 2021-08-23. Review status: criteria provided, single submitter. Criteria: ACMG Guidelines, 2015. Collection method: clinical testing. Allele origin: unknown.

PreventionGenetics, part of Exact Sciences
Classification: Likely benign for LZTFL1-related condition. Last evaluated: 2020-10-26. Review status: no assertion criteria provided. Collection method: clinical testing. Allele origin: germline. Not counted in ClinVar's aggregate classification.
Comment: This variant is classified as likely benign based on ACMG/AMP sequence variant interpretation guidelines (Richards et al. 2015 PMID: 25741868, with internal and published modifications).